The following is an entry in ClinVar:

ClinVar aggregate classification (germline): Likely benign (1 of 4 stars; one submission).

Submission:

Women's Health and Genetics/Laboratory Corporation of America, LabCorp
Classification: Likely benign. Last evaluated: 2026-01-14. Review status: criteria provided, single submitter. Criteria: LabCorp Variant Classification Summary - May 2015. Collection method: clinical testing. Allele origin: germline.
Comment: Variant summary: The variant involves the deletion of exon 7 in the FCGR2A gene. A presumed nomenclature of c.(777+1_778-1)_(*1682_?)del has been designated for the purposes of this classification. The exact breakpoint at the distal 3' end of this variant is unknown, therefore this deletion may extend downstream of the annotated region of the gene. As it encompasses the termination codon, it is predicted to escape nonsense mediated decay (NMD). Current evidence is not sufficient to establish loss of function as a mechanism for disease, and no strong evidence has suggested genetic changes in this gene lead to human diseases yet. The variant was absent in 21528 control chromosomes. However, a larger deletion involving exon 7 and extending downstream to involve other genes was found at a frequency of 0.00697 in 21528 control chromosomes, including 1 homozygote in the gnomAD SVs database v2. This frequency exceeds the estimated maximal expected allele frequency for disease-causing variants in FCGR2A. To our knowledge, no occurrence of c.(777+1_778-1)_(*1682_?)del in individuals affected with FCGR2A-related conditions and no experimental evidence demonstrating its impact on protein function have been reported. No submitters have cited clinical-significance assessments for this variant to ClinVar. Based on the evidence outlined above, the variant was classified as likely benign.

NC_000001.10:g.(161483723_161487764)_(161489620_?)del

Gene: FCGR2A (Fc gamma receptor IIa; plus strand). Cytogenetic location: 1q23.3.
Variant type: Deletion.
Identifiers: ClinVar variation 4689405 (VCV004689405.1).